The following is an entry in ClinVar:

NM_001199753.2(CPT1C):c.547G>T (p.Val183Leu)

Gene: CPT1C (carnitine palmitoyltransferase 1C; plus strand). Cytogenetic location: 19q13.33.
Variant type: single nucleotide variant.
Coding change: c.547G>T on transcript NM_001199753.2 (MANE Select); coding-DNA position 547, G replaced by T.
Protein change: p.Val183Leu; replaces valine 183 with leucine.
Molecular consequence: missense variant. On other transcripts: non-coding transcript variant (1).
Genome position (GRCh38, 1-based): chr19:49,701,410, G>T. VCF-style: chr19-49701410-G-T. GRCh37 (hg19) VCF-style: chr19-50204667-G-T.
Other names: c.547G>T, p.Val183Leu (NM_001136052.3, NM_001199752.3, NM_001378482.1 and 7 more transcripts); short protein forms V183L.
Identifiers: ClinVar variation 2778904 (VCV002778904.3), dbSNP rs768602342, ClinGen allele CA9581829.

ClinVar aggregate classification (germline): Uncertain significance (1 of 4 stars; one submission).

Conditions:
Hereditary spastic paraplegia 73. Also called: Spastic paraplegia 73, autosomal dominant. Identifiers: Orphanet 444099, MedGen C5568981, MONDO:0014568, OMIM 616282.

Allele frequency attached by ClinVar (database versions not stated): 1000 Genomes Project 30x 0.00016.
gnomAD v4.1: 29 of 1,609,228 alleles (0.0018%); highest among the groups gnomAD compares: East Asian, 0.047%; no homozygotes.

Submission:

Labcorp Genetics (formerly Invitae), Labcorp
Classification: Uncertain significance for Hereditary spastic paraplegia 73. Last evaluated: 2023-08-29. Review status: criteria provided, single submitter. Criteria: Invitae Variant Classification Sherloc (09022015). Collection method: clinical testing. Allele origin: germline.
Comment: In summary, the available evidence is currently insufficient to determine the role of this variant in disease. Therefore, it has been classified as a Variant of Uncertain Significance. Advanced modeling of protein sequence and biophysical properties (such as structural, functional, and spatial information, amino acid conservation, physicochemical variation, residue mobility, and thermodynamic stability) performed at Invitae indicates that this missense variant is not expected to disrupt CPT1C protein function. This variant has not been reported in the literature in individuals affected with CPT1C-related conditions. The frequency data for this variant in the population databases is considered unreliable, as metrics indicate poor data quality at this position in the gnomAD database. This sequence change replaces valine, which is neutral and non-polar, with leucine, which is neutral and non-polar, at codon 183 of the CPT1C protein (p.Val183Leu).